The following is an entry in ClinVar:

NM_001849.4(COL6A2):c.2462-2442C>T

Gene: COL6A2 (collagen type VI alpha 2 chain; plus strand). Cytogenetic location: 21q22.3.
Variant type: single nucleotide variant.
Coding change: c.2462-2442C>T on transcript NM_001849.4 (MANE Select); 2442 bases into the intron before coding-DNA position 2462, C replaced by T.
Molecular consequence: intron variant. On other transcripts: 3 prime UTR variant (2).
Genome position (GRCh38, 1-based): chr21:46,129,512, C>T. VCF-style: chr21-46129512-C-T. GRCh37 (hg19) VCF-style: chr21-47549426-C-T.
Other names: c.*21C>T (NM_058174.3); c.*584C>T (NM_058175.3).
Identifiers: ClinVar variation 3033592 (VCV003033592.2), dbSNP rs371302136, ClinGen allele CA10072862.
Genomic context (GRCh38, chr21:46,129,512, plus strand): 5'-CATCGTGGGGGACCCCGAGACCGCGCTGGCCCTCTGCTAAAGCCCGGGCACCCGCCCAGC[C>T]GGGCTGGGCCCTCCCTGCCACACTAGCTTCCCAGGGCTGCCCCCGACAGGCTGGCTCTCA-3'

ClinVar aggregate classification (germline): Likely benign (0 of 4 stars; one submission).

Conditions:
COL6A2-related disorder.

Allele frequency attached by ClinVar (database versions not stated): ESP Exome Variant Server 0.00109; gnomAD 0.00124; TOPMed 0.00124; 1000 Genomes Project 30x 0.00016; 1000 Genomes Project 0.00020.
gnomAD v4.1: 2,350 of 1,532,326 alleles (0.15%); highest among the groups gnomAD compares: Non-Finnish European, 0.19%; 2 homozygotes.

Submission:

PreventionGenetics, part of Exact Sciences
Classification: Likely benign for COL6A2-related condition. Last evaluated: 2021-02-04. Review status: no assertion criteria provided. Collection method: clinical testing. Allele origin: germline.
Comment: This variant is classified as likely benign based on ACMG/AMP sequence variant interpretation guidelines (Richards et al. 2015 PMID: 25741868, with internal and published modifications).